The following is an entry in ClinVar:

ClinVar aggregate classification (germline): Uncertain significance (1 of 4 stars; one submission).

Conditions:
Nephronophthisis. Also called: Juvenile Nephronophthisis. Identifiers: Orphanet 655, MedGen C0687120, MONDO:0019005, HP:0000090.

Submission:

Labcorp Genetics (formerly Invitae), Labcorp
Classification: Uncertain significance for Nephronophthisis. Last evaluated: 2021-12-06. Review status: criteria provided, single submitter. Criteria: Invitae Variant Classification Sherloc (09022015). Collection method: clinical testing. Allele origin: germline.
Comment: This variant has not been reported in the literature in individuals affected with NPHP4-related conditions. In summary, the available evidence is currently insufficient to determine the role of this variant in disease. Therefore, it has been classified as a Variant of Uncertain Significance. Algorithms developed to predict the effect of missense changes on protein structure and function are either unavailable or do not agree on the potential impact of this missense change (SIFT: "Tolerated"; PolyPhen-2: "Possibly Damaging"; Align-GVGD: "Class C0"). This variant is not present in population databases (gnomAD no frequency). This sequence change replaces leucine, which is neutral and non-polar, with methionine, which is neutral and non-polar, at codon 1125 of the NPHP4 protein (p.Leu1125Met).

NM_015102.5(NPHP4):c.3373C>A (p.Leu1125Met)

Gene: NPHP4 (nephrocystin 4; minus strand). Cytogenetic location: 1p36.31.
Variant type: single nucleotide variant.
Coding change: c.3373C>A on transcript NM_015102.5 (MANE Select); coding-DNA position 3373, C replaced by A.
Protein change: p.Leu1125Met; replaces leucine 1125 with methionine.
Molecular consequence: missense variant. On other transcripts: non-coding transcript variant (1).
Genome position (GRCh38, 1-based): chr1:5,867,839, G>T on the plus strand (C>A on the coding strand, the complement: NPHP4 is on the minus strand). VCF-style: chr1-5867839-G-T. GRCh37 (hg19) VCF-style: chr1-5927899-G-T.
Other names: c.1834C>A, p.Leu612Met (NM_001291593.2); c.1837C>A, p.Leu613Met (NM_001291594.2); short protein forms L613M, L1125M, L612M.
Identifiers: ClinVar variation 1369320 (VCV001369320.6), dbSNP rs2100469427, ClinGen allele CA338052454.